The following is an entry in ClinVar:

ClinVar aggregate classification (germline): Conflicting classifications of pathogenicity. Review status: criteria provided, conflicting classifications (1 of 4 stars). 7 submissions from 7 submitters: Uncertain significance (1); Likely benign (5). 1 of the submissions does not count toward it. Last evaluated 2025-11-24.

Conditions:
Inborn genetic diseases. Identifiers: MedGen C0950123, MeSH D030342.
DYRK1A-related intellectual disability syndrome (MRD7). Also called: DYRK1A Syndrome; Intellectual developmental disorder, autosomal dominant 7. Identifiers: Orphanet 464306, MedGen C5568143, MONDO:0013578, OMIM 614104.
DYRK1A-related disorder.

Allele frequency attached by ClinVar (database versions not stated): TOPMed below 0.00001; gnomAD 0.00001; ExAC 0.00002; gnomAD exomes 0.00002; ESP Exome Variant Server 0.00008.
gnomAD v4.1: 35 of 1,614,132 alleles (0.0022%); highest among the groups gnomAD compares: Middle Eastern, 0.2%; 2 homozygotes.

Submissions (7):

Labcorp Genetics (formerly Invitae), Labcorp
Classification: Likely benign for DYRK1A-related intellectual disability syndrome. Last evaluated: 2025-11-24. Review status: criteria provided, single submitter. Criteria: Invitae Variant Classification Sherloc (09022015). Collection method: clinical testing. Allele origin: germline.

CeGaT Center for Human Genetics Tuebingen
Classification: Likely benign. Last evaluated: 2024-10-01. Review status: criteria provided, single submitter. Criteria: CeGaT Center For Human Genetics Tuebingen Variant Classification Criteria Version 2. Collection method: clinical testing. Allele origin: germline. Affected: yes. Observed: 1 variant allele.
Comment: DYRK1A: BP4, BS2

Blueprint Genetics
Classification: Likely benign. Last evaluated: 2024-03-13. Review status: criteria provided, single submitter. Criteria: ACMG Guidelines, 2015. Collection method: clinical testing. Allele origin: germline.

GeneDx
Classification: Likely benign. Last evaluated: 2020-12-02. Review status: criteria provided, single submitter. Criteria: GeneDx Variant Classification Process June 2021. Collection method: clinical testing. Allele origin: germline. Affected: yes.

Genetic Services Laboratory, University of Chicago
Classification: Uncertain significance. Last evaluated: 2018-01-19. Review status: criteria provided, single submitter. Criteria: ACMG Guidelines, 2015. Collection method: clinical testing. Allele origin: germline. Affected: no.

Ambry Genetics
Classification: Likely benign for Inborn genetic diseases. Last evaluated: 2017-09-21. Review status: criteria provided, single submitter. Criteria: Ambry Variant Classification Scheme 2023. Collection method: clinical testing. Allele origin: germline.

PreventionGenetics, part of Exact Sciences
Classification: Likely benign for DYRK1A-related condition. Last evaluated: 2019-07-18. Review status: no assertion criteria provided. Collection method: clinical testing. Allele origin: germline. Not counted in ClinVar's aggregate classification.
Comment: This variant is classified as likely benign based on ACMG/AMP sequence variant interpretation guidelines (Richards et al. 2015 PMID: 25741868, with internal and published modifications).

NM_001347721.2(DYRK1A):c.2085C>G (p.Val695=)

Gene: DYRK1A (dual specificity tyrosine phosphorylation regulated kinase 1A; plus strand). Cytogenetic location: 21q22.13.
Variant type: single nucleotide variant.
Coding change: c.2085C>G on transcript NM_001347721.2 (MANE Select); coding-DNA position 2085, C replaced by G.
Protein change: p.Val695=; no amino-acid change (valine 695 retained).
Molecular consequence: synonymous variant. On other transcripts: 3 prime UTR variant (2).
Genome position (GRCh38, 1-based): chr21:37,512,351, C>G. VCF-style: chr21-37512351-C-G. GRCh37 (hg19) VCF-style: chr21-38884654-C-G.
Other names: c.2085C>G, p.Val695= (NM_001347722.2, NM_130436.2); c.1998C>G, p.Val666= (NM_001347723.2); c.2112C>G, p.Val704= (NM_001396.5); c.*488C>G (NM_101395.2); c.*397C>G (NM_130438.2); c.2112C>G (NM_001396.4).
Identifiers: ClinVar variation 388376 (VCV000388376.35), dbSNP rs372748919, ClinGen allele CA10024161.